The following is an entry in ClinVar:

ClinVar aggregate classification (germline): Uncertain significance. Review status: criteria provided, multiple submitters, no conflicts (2 of 4 stars). 2 submissions from 2 submitters: Uncertain significance (2). Last evaluated 2026-01-09.

Conditions:
GLRA2-related disorder. Also called: GLRA2-related condition.

gnomAD v4.1: 1 of 1,199,344 alleles (0.000083%); highest among the groups gnomAD compares: Admixed American, 0.0022%; no homozygotes.

Submissions (2):

Women's Health and Genetics/Laboratory Corporation of America, LabCorp
Classification: Uncertain significance. Last evaluated: 2026-01-09. Review status: criteria provided, single submitter. Criteria: LabCorp Variant Classification Summary - May 2015. Collection method: clinical testing. Allele origin: germline.
Comment: Variant summary: GLRA2 c.1087G>A (p.Asp363Asn) results in a conservative amino acid change in the encoded protein sequence. Algorithms developed to predict the effect of missense changes on protein structure and function are either unavailable or do not agree on the potential impact of this missense change. The variant allele was found at a frequency of 5.5e-06 in 182203 control chromosomes. The available data on variant occurrences in the general population are insufficient to allow any conclusion about variant significance. To our knowledge, no occurrence of c.1087G>A in individuals affected with GLRA2-related conditions and no experimental evidence demonstrating its impact on protein function have been reported. No submitters have cited clinical-significance assessments for this variant to ClinVar. Based on the evidence outlined above, the variant was classified as uncertain significance.

PreventionGenetics, part of Exact Sciences
Classification: Uncertain significance for GLRA2-related condition. Last evaluated: 2024-12-09. Review status: criteria provided, single submitter. Criteria: ACMG Guidelines, 2015. Collection method: clinical testing. Allele origin: germline.
Comment: The GLRA2 c.1087G>A variant is predicted to result in the amino acid substitution p.Asp363Asn. To our knowledge, this variant has not been reported in the literature. This variant is reported in 0.0037% of alleles in individuals of Latino descent in gnomAD. At this time, the clinical significance of this variant is uncertain due to the absence of conclusive functional and genetic evidence.

NM_002063.4(GLRA2):c.1087G>A (p.Asp363Asn)

Genes: FANCB (FA complementation group B; minus strand), GLRA2 (glycine receptor alpha 2; plus strand). Cytogenetic location: Xp22.2.
Variant type: single nucleotide variant.
Coding change: c.1087G>A on transcript NM_002063.4 (MANE Select); coding-DNA position 1087, G replaced by A.
Protein change: p.Asp363Asn; replaces aspartic acid 363 with asparagine.
Molecular consequence: missense variant.
Genome position (GRCh38, 1-based): chrX:14,730,213, G>A. VCF-style: chrX-14730213-G-A. GRCh37 (hg19) VCF-style: chrX-14748335-G-A.
Other names: c.1087G>A, p.Asp363Asn (NM_001118885.2, NM_001118886.2); c.820G>A, p.Asp274Asn (NM_001171942.2); c.1087G>A (NM_002063.3); short protein forms D274N, D363N.
Identifiers: ClinVar variation 4689512 (VCV004689512.2).